The following is an entry in ClinVar:

ClinVar aggregate classification (germline): Uncertain significance (1 of 4 stars; one submission).

Conditions:
Hereditary cancer-predisposing syndrome. Also called: Neoplastic Syndromes, Hereditary; Tumor predisposition; Hereditary neoplastic syndrome; Hereditary Cancer Syndrome. Identifiers: Orphanet 140162, MedGen C0027672, MeSH D009386, MONDO:0015356.

Submission:

Ambry Genetics
Classification: Uncertain significance for Hereditary cancer-predisposing syndrome. Last evaluated: 2026-07-06. Review status: criteria provided, single submitter. Criteria: Ambry Variant Classification Scheme 2023. Collection method: clinical testing. Allele origin: germline.
Comment: The p.P241S variant (also known as c.721C>T), located in coding exon 5 of the FH gene, results from a C to T substitution at nucleotide position 721. The proline at codon 241 is replaced by serine, an amino acid with similar properties. This amino acid position is conserved. In addition, this alteration is predicted to be deleterious by in silico analysis. Based on the available evidence, the clinical significance of this variant remains unclear.

NM_000143.4(FH):c.721C>T (p.Pro241Ser)

Gene: FH (fumarate hydratase; minus strand). Cytogenetic location: 1q43.
Variant type: single nucleotide variant.
Coding change: c.721C>T on transcript NM_000143.4 (MANE Select); coding-DNA position 721, C replaced by T.
Protein change: p.Pro241Ser; replaces proline 241 with serine.
Molecular consequence: missense variant.
Genome position (GRCh38, 1-based): chr1:241,508,620, G>A on the plus strand (C>T on the coding strand, the complement: FH is on the minus strand). VCF-style: chr1-241508620-G-A. GRCh37 (hg19) VCF-style: chr1-241671920-G-A.
Other names: short protein forms P241S.
Identifiers: ClinVar variation 5021731 (VCV005021731.1).